The following is an entry in ClinVar:

NM_018163.3(DNAJC17):c.356G>A (p.Arg119Gln)

Gene: DNAJC17 (DnaJ heat shock protein family (Hsp40) member C17; minus strand). Cytogenetic location: 15q15.1.
Variant type: single nucleotide variant.
Coding change: c.356G>A on transcript NM_018163.3 (MANE Select); coding-DNA position 356, G replaced by A.
Protein change: p.Arg119Gln; replaces arginine 119 with glutamine.
Molecular consequence: missense variant.
Genome position (GRCh38, 1-based): chr15:40,776,567, C>T on the plus strand (G>A on the coding strand, the complement: DNAJC17 is on the minus strand). VCF-style: chr15-40776567-C-T. GRCh37 (hg19) VCF-style: chr15-41068765-C-T.
Other names: short protein forms R119Q.
Identifiers: ClinVar variation 4694956 (VCV004694956.1).

ClinVar aggregate classification (germline): Uncertain significance (1 of 4 stars; one submission).

gnomAD v4.1: 11 of 1,613,944 alleles (0.00068%); highest among the groups gnomAD compares: South Asian, 0.0011%; no homozygotes.

Submission:

Labcorp Genetics (formerly Invitae), Labcorp
Classification: Uncertain significance. Last evaluated: 2025-02-28. Review status: criteria provided, single submitter. Criteria: Invitae Variant Classification Sherloc (09022015). Collection method: clinical testing. Allele origin: germline.
Comment: This sequence change replaces arginine, which is basic and polar, with glutamine, which is neutral and polar, at codon 119 of the DNAJC17 protein (p.Arg119Gln). This variant is present in population databases (rs765221994, gnomAD 0.007%). This variant has not been reported in the literature in individuals affected with DNAJC17-related conditions. An algorithm developed to predict the effect of missense changes on protein structure and function outputs the following: PolyPhen-2: "Benign". The glutamine amino acid residue is found in multiple mammalian species, which suggests that this missense change does not adversely affect protein function. In summary, the available evidence is currently insufficient to determine the role of this variant in disease. Therefore, it has been classified as a Variant of Uncertain Significance.